The following is an entry in ClinVar:

ClinVar aggregate classification (germline): Uncertain significance (1 of 4 stars; one submission).

Allele frequency attached by ClinVar (database versions not stated): gnomAD 0.00001.

Submission:

Labcorp Genetics (formerly Invitae), Labcorp
Classification: Uncertain significance. Last evaluated: 2021-03-27. Review status: criteria provided, single submitter. Criteria: Invitae Variant Classification Sherloc (09022015). Collection method: clinical testing. Allele origin: germline.
Comment: This sequence change replaces aspartic acid with tyrosine at codon 70 of the KCNV2 protein (p.Asp70Tyr). The aspartic acid residue is moderately conserved and there is a large physicochemical difference between aspartic acid and tyrosine. This variant is not present in population databases (ExAC no frequency). This variant has not been reported in the literature in individuals with KCNV2-related conditions. Advanced modeling of protein sequence and biophysical properties (such as structural, functional, and spatial information, amino acid conservation, physicochemical variation, residue mobility, and thermodynamic stability) performed at Invitae indicates that this missense variant is not expected to disrupt KCNV2 protein function. In summary, the available evidence is currently insufficient to determine the role of this variant in disease. Therefore, it has been classified as a Variant of Uncertain Significance.

NM_133497.4(KCNV2):c.208G>T (p.Asp70Tyr)

Gene: KCNV2 (potassium voltage-gated channel modifier subfamily V member 2; plus strand). Cytogenetic location: 9p24.2.
Variant type: single nucleotide variant.
Coding change: c.208G>T on transcript NM_133497.4 (MANE Select); coding-DNA position 208, G replaced by T.
Protein change: p.Asp70Tyr; replaces aspartic acid 70 with tyrosine.
Molecular consequence: missense variant.
Genome position (GRCh38, 1-based): chr9:2,717,947, G>T. VCF-style: chr9-2717947-G-T. GRCh37 (hg19) VCF-style: chr9-2717947-G-T.
Other names: short protein forms D70Y.
Identifiers: ClinVar variation 1439298 (VCV001439298.8), dbSNP rs1470002004, ClinGen allele CA372795957.
Genomic context (GRCh38, chr9:2,717,947, plus strand): 5'-AACTATAACTACTACATCGAGGAAGACGAAGACGGCGAGGAGGAGGACCAGTGGAAGGAC[G>T]ACCTGGCAGAAGAGGACCAGCAGGCAGGGGAGGTCACCACCGCCAAGCCCGAGGGCCCCA-3'
Protein context (NP_598004.1, residues 60-80): DGEEEDQWKD[Asp70Tyr]LAEEDQQAGE